The following is an entry in ClinVar:

NM_001385682.1(MAP4):c.6792C>T (p.Pro2264=)

Gene: MAP4 (microtubule associated protein 4; minus strand). Cytogenetic location: 3p21.31.
Variant type: single nucleotide variant.
Coding change: c.6792C>T on transcript NM_001385682.1 (MANE Select); coding-DNA position 6792, C replaced by T.
Protein change: p.Pro2264=; no amino-acid change (proline 2264 retained).
Molecular consequence: synonymous variant. On other transcripts: intron variant (3).
Genome position (GRCh38, 1-based): chr3:47,853,257, G>A on the plus strand (C>T on the coding strand, the complement: MAP4 is on the minus strand). VCF-style: chr3-47853257-G-A. GRCh37 (hg19) VCF-style: chr3-47894747-G-A.
Other names: c.3141C>T, p.Pro1047= (NM_001385685.1, NM_001384779.1, NM_001384847.1 and 1 more transcripts); c.3408C>T, p.Pro1136= (NM_001385686.1, NM_001384736.1, NM_001384788.1); c.6792C>T, p.Pro2264= (NM_001385687.1); c.6561C>T, p.Pro2187= (NM_001385688.1); c.6678C>T, p.Pro2226= (NM_001385689.1); c.3357C>T, p.Pro1119= (NM_002375.5, NM_001384729.1, NM_001384798.1 and 1 more transcripts); c.3139-319C>T (NM_001384681.1); c.3217-319C>T (NM_001384756.1); and 70 more.
Identifiers: ClinVar variation 3053586 (VCV003053586.2), dbSNP rs1001710694, ClinGen allele CA433609588.

ClinVar aggregate classification (germline): Likely benign (0 of 4 stars; one submission).

Conditions:
MAP4-related disorder. Also called: MAP4-related condition.

Submission:

PreventionGenetics, part of Exact Sciences
Classification: Likely benign for MAP4-related condition. Last evaluated: 2019-09-05. Review status: no assertion criteria provided. Collection method: clinical testing. Allele origin: germline.
Comment: This variant is classified as likely benign based on ACMG/AMP sequence variant interpretation guidelines (Richards et al. 2015 PMID: 25741868, with internal and published modifications).